The following is an entry in ClinVar:

ClinVar aggregate classification (germline): Uncertain significance (1 of 4 stars; one submission).

Conditions:
Hereditary cancer-predisposing syndrome. Also called: Neoplastic Syndromes, Hereditary; Tumor predisposition; Hereditary Cancer Syndrome; Hereditary neoplastic syndrome. Identifiers: Orphanet 140162, MedGen C0027672, MeSH D009386, MONDO:0015356.

Submission:

Ambry Genetics
Classification: Uncertain significance for Hereditary cancer-predisposing syndrome. Last evaluated: 2026-05-19. Review status: criteria provided, single submitter. Criteria: Ambry Variant Classification Scheme 2023. Collection method: clinical testing. Allele origin: germline.
Comment: The p.*239Yext*33 variant (also known as c.717A>T), located in coding exon 3 of the TMEM127 gene, results from an A to T substitution at nucleotide position 717, which is the last nucleotide of the TMEM127 gene. This variant disrupts the stop codon and is predicted to preserve the native sequence while resulting in the elongation of the protein by 33 amino acids. The exact functional effect of the additional amino acids is unknown. Based on the available evidence, the clinical significance of this variant remains unclear.

NM_017849.4(TMEM127):c.717A>T (p.Ter239Tyr)

Gene: TMEM127 (transmembrane protein 127; minus strand). Cytogenetic location: 2q11.2.
Variant type: single nucleotide variant.
Coding change: c.717A>T on transcript NM_017849.4 (MANE Select); coding-DNA position 717, A replaced by T.
Protein change: p.Ter239Tyr.
Molecular consequence: stop lost.
Genome position (GRCh38, 1-based): chr2:96,253,808, T>A on the plus strand (A>T on the coding strand, the complement: TMEM127 is on the minus strand). VCF-style: chr2-96253808-T-A. GRCh37 (hg19) VCF-style: chr2-96919546-T-A.
Other names: c.717A>T, p.Ter239Tyr (NM_001193304.3); c.465A>T, p.Ter155Tyr (NM_001407282.1, NM_001407283.1).
Identifiers: ClinVar variation 4865728 (VCV004865728.1).